The following is an entry in ClinVar:

NM_000552.5(VWF):c.7619T>C (p.Val2540Ala)

Gene: VWF (von Willebrand factor; minus strand). Cytogenetic location: 12p13.31.
Variant type: single nucleotide variant.
Coding change: c.7619T>C on transcript NM_000552.5 (MANE Select); coding-DNA position 7619, T replaced by C.
Protein change: p.Val2540Ala; replaces valine 2540 with alanine.
Molecular consequence: missense variant.
Genome position (GRCh38, 1-based): chr12:5,969,321, A>G on the plus strand (T>C on the coding strand, the complement: VWF is on the minus strand). VCF-style: chr12-5969321-A-G. GRCh37 (hg19) VCF-style: chr12-6078487-A-G.
Other names: short protein forms V2540A.
Identifiers: ClinVar variation 801316 (VCV000801316.6), dbSNP rs150778949, ClinGen allele CA6401603.

ClinVar aggregate classification (germline): Uncertain significance. Review status: criteria provided, multiple submitters, no conflicts (2 of 4 stars). 3 submissions from 3 submitters: Uncertain significance (3). Last evaluated 2026-03-20.

Conditions:
VWF-related disorder. Also called: VWF-related condition; VWF-related disorders.
von Willebrand disease type 1 (VWD1). Also called: VWD, TYPE 1; VON WILLEBRAND DISEASE, TYPE I. Identifiers: Orphanet 166078, Orphanet 903, MedGen C1264039, MONDO:0008668, OMIM 193400. Inheritance: autosomal recessive or autosomal dominant.
von Willebrand disease type 3 (VWD3). Also called: Type 3 Von Willebrand's disease; Type 3 VWD; Von Willebrand disease, severe form; V WD3; VON WILLEBRAND DISEASE, TYPE III. Identifiers: Orphanet 166096, MedGen C1264041, MONDO:0010191, OMIM 277480.
von Willebrand disease type 2 (VWD2). Also called: VWD, TYPE 2; VON WILLEBRAND DISEASE, TYPE II; VON WILLEBRAND DISEASE, TYPE 2A/IIE; VON WILLEBRAND DISEASE, TYPE 2CB. Identifiers: Orphanet 166081, Orphanet 903, MedGen C1264040, MONDO:0013304, OMIM 613554.

Allele frequency attached by ClinVar (database versions not stated): gnomAD exomes 0.00003 and 0.00010; ExAC 0.00014; gnomAD 0.00030 and 0.00038; ESP Exome Variant Server 0.00038; TOPMed 0.00040.
gnomAD v4.1: 96 of 1,613,878 alleles (0.0059%); highest among the groups gnomAD compares: African/African-American, 0.12%; no homozygotes.

Submissions (3):

PreventionGenetics, part of Exact Sciences
Classification: Uncertain significance for VWF-related condition. Last evaluated: 2026-03-20. Review status: criteria provided, single submitter. Criteria: ACMG Guidelines, 2015. Collection method: clinical testing. Allele origin: germline.
Comment: The VWF c.7619T>C variant is predicted to result in the amino acid substitution p.Val2540Ala. To our knowledge, this variant has not been reported in the literature. This variant is reported in 0.13% of alleles in individuals of African descent in gnomAD. Although we suspect that this variant may be benign, at this time, the clinical significance of this variant is uncertain due to the absence of conclusive functional and genetic evidence.

Quest Diagnostics Nichols Institute San Juan Capistrano
Classification: Uncertain significance. Last evaluated: 2023-10-12. Review status: criteria provided, single submitter. Criteria: Quest Diagnostics criteria. Collection method: clinical testing. Allele origin: unknown.

Fulgent Genetics
Classification: Uncertain significance for von Willebrand disease type 1; von Willebrand disease type 3; von Willebrand disease type 2. Last evaluated: 2021-10-15. Review status: criteria provided, single submitter. Criteria: ACMG Guidelines, 2015. Collection method: clinical testing. Allele origin: unknown.